The following is an entry in ClinVar:

NM_032656.4(DHX37):c.53C>T (p.Pro18Leu)

Genes: DHX37 (DEAH-box helicase 37; minus strand), LOC130009166 (ATAC-STARR-seq lymphoblastoid silent region 5073; plus strand). Cytogenetic location: 12q24.31.
Variant type: single nucleotide variant.
Coding change: c.53C>T on transcript NM_032656.4 (MANE Select); coding-DNA position 53, C replaced by T.
Protein change: p.Pro18Leu; replaces proline 18 with leucine.
Molecular consequence: missense variant.
Genome position (GRCh38, 1-based): chr12:124,988,970, G>A on the plus strand (C>T on the coding strand, the complement: DHX37 is on the minus strand). VCF-style: chr12-124988970-G-A. GRCh37 (hg19) VCF-style: chr12-125473516-G-A.
Other names: short protein forms P18L.
Identifiers: ClinVar variation 2621350 (VCV002621350.3), dbSNP rs746936106, ClinGen allele CA6872575.

ClinVar aggregate classification (germline): Uncertain significance. Review status: criteria provided, multiple submitters, no conflicts (2 of 4 stars). 2 submissions from 2 submitters: Uncertain significance (2). Last evaluated 2025-10-14.

Conditions:
Inborn genetic diseases. Identifiers: MedGen C0950123, MeSH D030342.

Allele frequency attached by ClinVar (database versions not stated): gnomAD 0.00001; TOPMed 0.00001; gnomAD exomes 0.00002; ExAC 0.00004.
gnomAD v4.1: 22 of 1,355,346 alleles (0.0016%); highest among the groups gnomAD compares: Middle Eastern, 0.04%; no homozygotes.

Submissions (2):

Labcorp Genetics (formerly Invitae), Labcorp
Classification: Uncertain significance. Last evaluated: 2025-10-14. Review status: criteria provided, single submitter. Criteria: Invitae Variant Classification Sherloc (09022015). Collection method: clinical testing. Allele origin: germline.
Comment: This sequence change replaces proline, which is neutral and non-polar, with leucine, which is neutral and non-polar, at codon 18 of the DHX37 protein (p.Pro18Leu). This variant is present in population databases (rs746936106, gnomAD 0.03%). This variant has not been reported in the literature in individuals affected with DHX37-related conditions. ClinVar contains an entry for this variant (Variation ID: 2621350). An algorithm developed to predict the effect of missense changes on protein structure and function (PolyPhen-2) suggests that this variant is likely to be disruptive. In summary, the available evidence is currently insufficient to determine the role of this variant in disease. Therefore, it has been classified as a Variant of Uncertain Significance.

Ambry Genetics
Classification: Uncertain significance for Inborn genetic diseases. Last evaluated: 2023-08-22. Review status: criteria provided, single submitter. Criteria: Ambry Variant Classification Scheme 2023. Collection method: clinical testing. Allele origin: germline.